The following is an entry in ClinVar:

ClinVar aggregate classification (germline): Uncertain significance (1 of 4 stars; one submission).

Conditions:
Immunodeficiency 35 (IMD35). Also called: TYK2 DEFICIENCY; Susceptibility to infection due to TYK2 deficiency; HIES WITH ATYPICAL MYCOBACTERIOSIS, AUTOSOMAL RECESSIVE; HYPER-IgE SYNDROME WITH ATYPICAL MYCOBACTERIOSIS, AUTOSOMAL RECESSIVE. Identifiers: Orphanet 331226, MedGen C1969086, MONDO:0012682, OMIM 611521.

gnomAD v4.1: 65 of 1,611,380 alleles (0.004%); highest among the groups gnomAD compares: East Asian, 0.045%; no homozygotes.

Submission:

Labcorp Genetics (formerly Invitae), Labcorp
Classification: Uncertain significance for Immunodeficiency 35. Last evaluated: 2025-07-16. Review status: criteria provided, single submitter. Criteria: Invitae Variant Classification Sherloc (09022015). Collection method: clinical testing. Allele origin: germline.
Comment: This sequence change replaces arginine, which is basic and polar, with tryptophan, which is neutral and slightly polar, at codon 700 of the TYK2 protein (p.Arg700Trp). This variant is present in population databases (rs766131781, gnomAD 0.06%). This variant has not been reported in the literature in individuals affected with TYK2-related conditions. Invitae Evidence Modeling of protein sequence and biophysical properties (such as structural, functional, and spatial information, amino acid conservation, physicochemical variation, residue mobility, and thermodynamic stability) indicates that this missense variant is expected to disrupt TYK2 protein function with a positive predictive value of 80%. In summary, the available evidence is currently insufficient to determine the role of this variant in disease. Therefore, it has been classified as a Variant of Uncertain Significance.

NM_003331.5(TYK2):c.2098C>T (p.Arg700Trp)

Gene: TYK2 (tyrosine kinase 2; minus strand). Cytogenetic location: 19p13.2.
Variant type: single nucleotide variant.
Coding change: c.2098C>T on transcript NM_003331.5 (MANE Select); coding-DNA position 2098, C replaced by T.
Protein change: p.Arg700Trp; replaces arginine 700 with tryptophan.
Molecular consequence: missense variant.
Genome position (GRCh38, 1-based): chr19:10,359,252, G>A on the plus strand (C>T on the coding strand, the complement: TYK2 is on the minus strand). VCF-style: chr19-10359252-G-A. GRCh37 (hg19) VCF-style: chr19-10469928-G-A.
Other names: c.2098C>T, p.Arg700Trp (NM_001385197.1, NM_001385198.1, NM_001385200.1 and 3 more transcripts); c.1912C>T, p.Arg638Trp (NM_001385199.1); c.1900C>T, p.Arg634Trp (NM_001385201.1); c.2014C>T, p.Arg672Trp (NM_001385202.1); c.2008C>T, p.Arg670Trp (NM_001385205.1); c.1972C>T, p.Arg658Trp (NM_001385206.1); c.2080C>T, p.Arg694Trp (NM_001385207.1); short protein forms R670W, R638W, R672W, R694W, R634W, R700W, R658W.
Identifiers: ClinVar variation 4747989 (VCV004747989.1).
Genomic context (GRCh38, chr19:10,359,252, plus strand): 5'-TGGCCAGCTGCTGGGCCACCACCATCTTCCAAGCCATGGGCACATGGCCCCGCTCCCTCC[G>A]CAGCCACACATCCAGGGGTCCGTGCTCCACGTACTCTGTCACCATGATATCTGTAAAGAC-3'
Protein context (NP_003322.3, residues 690-710): VEHGPLDVWL[Arg700Trp]RERGHVPMAW